The following is an entry in ClinVar:

NM_001035.3(RYR2):c.10260T>C (p.Val3420=)

Gene: RYR2 (ryanodine receptor 2; plus strand). Cytogenetic location: 1q43.
Variant type: single nucleotide variant.
Coding change: c.10260T>C on transcript NM_001035.3 (MANE Select); coding-DNA position 10260, T replaced by C.
Protein change: p.Val3420=; no amino-acid change (valine 3420 retained).
Molecular consequence: synonymous variant.
Genome position (GRCh38, 1-based): chr1:237,711,774, T>C. VCF-style: chr1-237711774-T-C. GRCh37 (hg19) VCF-style: chr1-237875074-T-C.
Identifiers: ClinVar variation 747178 (VCV000747178.13), dbSNP rs778112871, ClinGen allele CA084263.

ClinVar aggregate classification (germline): Likely benign. Review status: criteria provided, multiple submitters, no conflicts (2 of 4 stars). 2 submissions from 2 submitters: Likely benign (2). Last evaluated 2024-08-13.

Conditions:
Catecholaminergic polymorphic ventricular tachycardia (CVPT). Also called: Catecholamine-induced polymorphic ventricular tachycardia. Identifiers: Orphanet 3286, MedGen C5574922, MONDO:0017990.
Catecholaminergic polymorphic ventricular tachycardia 1. Also called: RYR2-Related Catecholaminergic Polymorphic Ventricular Tachycardia; VENTRICULAR TACHYCARDIA, STRESS-INDUCED POLYMORPHIC 1; VENTRICULAR TACHYCARDIA, CATECHOLAMINERGIC POLYMORPHIC, 1, WITH OR WITHOUT ATRIAL DYSFUNCTION AND/OR DILATED CARDIOMYOPATHY. Identifiers: Orphanet 3286, MedGen C1631597, MONDO:0011484, OMIM 604772.

Allele frequency attached by ClinVar (database versions not stated): gnomAD exomes below 0.00001 and 0.00002; TOPMed below 0.00001; ExAC 0.00001.
gnomAD v4.1: 5 of 1,589,538 alleles (0.00031%); highest among the groups gnomAD compares: Admixed American, 0.0084%; no homozygotes.

Submissions (2):

All of Us Research Program, National Institutes of Health
Classification: Likely benign for Catecholaminergic polymorphic ventricular tachycardia. Last evaluated: 2024-08-13. Review status: criteria provided, single submitter. Criteria: ACMG Guidelines, 2015. Collection method: clinical testing. Allele origin: germline. Inheritance: Autosomal dominant inheritance. Observed: 1 variant allele, 1 heterozygote.
Comment: This study involves interpretation of variants in research participants for the purpose of population health screening. Participant phenotype was not available at the time of variant classification. Additional details can be found in publication PMID: 35346344, PMCID: PMC8962531

Labcorp Genetics (formerly Invitae), Labcorp
Classification: Likely benign for Catecholaminergic polymorphic ventricular tachycardia 1. Last evaluated: 2022-08-09. Review status: criteria provided, single submitter. Criteria: Invitae Variant Classification Sherloc (09022015). Collection method: clinical testing. Allele origin: germline.